The following is an entry in ClinVar:

ClinVar aggregate classification (germline): Uncertain significance (1 of 4 stars; one submission).

Conditions:
Elsahy-Waters syndrome. Also called: BSG SYNDROME; Hypospadias, hypertelorism, upper lid coloboma, and mixed-type hearing loss. Identifiers: Orphanet 1299, Orphanet 157788, MedGen C0809936, MONDO:0008885, OMIM 211380.

Submission:

Laboratorio de Genetica e Diagnostico Molecular, Hospital Israelita Albert Einstein
Classification: Uncertain significance for Elsahy-Waters syndrome. Last evaluated: 2022-12-30. Review status: criteria provided, single submitter. Criteria: ACMG Guidelines, 2015. Collection method: clinical testing. Allele origin: germline. Affected: yes.
Comment: ACMG classification criteria: PM2 moderated, PP3 supporting

NM_001797.4(CDH11):c.2002G>A (p.Gly668Ser)

Gene: CDH11 (cadherin 11; minus strand). Cytogenetic location: 16q21.
Variant type: single nucleotide variant.
Coding change: c.2002G>A on transcript NM_001797.4 (MANE Select); coding-DNA position 2002, G replaced by A.
Protein change: p.Gly668Ser; replaces glycine 668 with serine.
Molecular consequence: missense variant. On other transcripts: 3 prime UTR variant (1).
Genome position (GRCh38, 1-based): chr16:64,947,992, C>T on the plus strand (G>A on the coding strand, the complement: CDH11 is on the minus strand). VCF-style: chr16-64947992-C-T. GRCh37 (hg19) VCF-style: chr16-64981895-C-T.
Other names: c.*99G>A (NM_001308392.2); c.1624G>A, p.Gly542Ser (NM_001330576.2); short protein forms G542S, G668S.
Identifiers: ClinVar variation 2431933 (VCV002431933.2), dbSNP rs2506994069, ClinGen allele CA396524674.